The following is an entry in ClinVar:

NM_002435.3(MPI):c.1096T>C (p.Ser366Pro)

Gene: MPI (mannose phosphate isomerase; plus strand). Cytogenetic location: 15q24.1.
Variant type: single nucleotide variant.
Coding change: c.1096T>C on transcript NM_002435.3 (MANE Select); coding-DNA position 1096, T replaced by C.
Protein change: p.Ser366Pro; replaces serine 366 with proline.
Molecular consequence: missense variant. On other transcripts: 3 prime UTR variant (1).
Genome position (GRCh38, 1-based): chr15:74,897,554, T>C. VCF-style: chr15-74897554-T-C. GRCh37 (hg19) VCF-style: chr15-75189895-T-C.
Other names: c.1096T>C (NM_002435.1); c.*23T>C (NM_001289155.2); c.946T>C, p.Ser316Pro (NM_001289156.2); c.913T>C, p.Ser305Pro (NM_001289157.2); c.1036T>C, p.Ser346Pro (NM_001330372.2); short protein forms S366P, S316P, S305P, S346P.
Identifiers: ClinVar variation 468470 (VCV000468470.9), dbSNP rs1555479551, ClinGen allele CA393179028.

ClinVar aggregate classification (germline): Uncertain significance. Review status: criteria provided, multiple submitters, no conflicts (2 of 4 stars). 2 submissions from 2 submitters: Uncertain significance (2). Last evaluated 2023-06-14.

Conditions:
MPI-congenital disorder of glycosylation. Also called: CONGENITAL DISORDER OF GLYCOSYLATION, TYPE Ib; CDG Ib; MANNOSEPHOSPHATE ISOMERASE DEFICIENCY; PROTEIN-LOSING ENTEROPATHY-HEPATIC FIBROSIS SYNDROME; MPI DEFICIENCY; MPI-CDG. Identifiers: Orphanet 79319, MedGen C1865145, MONDO:0011257, OMIM 602579.

Submissions (2):

GeneDx
Classification: Uncertain significance. Last evaluated: 2023-06-14. Review status: criteria provided, single submitter. Criteria: GeneDx Variant Classification Process June 2021. Collection method: clinical testing. Allele origin: germline. Affected: yes.
Comment: Not observed at significant frequency in large population cohorts (gnomAD); In silico analysis supports that this missense variant has a deleterious effect on protein structure/function; Has not been previously published as pathogenic or benign to our knowledge

Labcorp Genetics (formerly Invitae), Labcorp
Classification: Uncertain significance for MPI-congenital disorder of glycosylation. Last evaluated: 2017-01-23. Review status: criteria provided, single submitter. Criteria: Invitae Variant Classification Sherloc (09022015). Collection method: clinical testing. Allele origin: germline.
Comment: In summary, this variant is a novel missense change with uncertain impact on protein function. It has been classified as a Variant of Uncertain Significance. Algorithms developed to predict the effect of missense changes on protein structure and function do not agree on the potential impact of this missense change (SIFT: "Tolerated"; PolyPhen-2: "Possibly Damaging"; Align-GVGD: "Class C0"). This variant is not present in population databases (ExAC no frequency) and has not been reported in the literature in individuals with a MPI-related disease. This sequence change replaces serine with proline at codon 366 of the MPI protein (p.Ser366Pro). The serine residue is moderately conserved and there is a moderate physicochemical difference between serine and proline.